The following is an entry in ClinVar:

ClinVar aggregate classification (germline): Uncertain significance. Review status: criteria provided, multiple submitters, no conflicts (2 of 4 stars). 2 submissions from 2 submitters: Uncertain significance (2). Last evaluated 2020-10-28.

Conditions:
MEGF10-related myopathy (CMYO10A). Also called: Congenital myopathy 10A, severe variant. Identifiers: Orphanet 439212, MedGen C3280679, MONDO:0013731, OMIM 614399.

Allele frequency attached by ClinVar (database versions not stated): gnomAD 0.00001; TOPMed 0.00001.
gnomAD v4.1: 2 of 1,613,714 alleles (0.00012%); highest among the groups gnomAD compares: Non-Finnish European, 0.00017%; no homozygotes.

Submissions (2):

Labcorp Genetics (formerly Invitae), Labcorp
Classification: Uncertain significance for MEGF10-related myopathy. Last evaluated: 2020-10-28. Review status: criteria provided, single submitter. Criteria: Invitae Variant Classification Sherloc (09022015). Collection method: clinical testing. Allele origin: germline.
Comment: In summary, the available evidence is currently insufficient to determine the role of this variant in disease. Therefore, it has been classified as a Variant of Uncertain Significance. Algorithms developed to predict the effect of missense changes on protein structure and function output the following: SIFT: "Tolerated"; PolyPhen-2: "Benign"; Align-GVGD: "Class C0". The isoleucine amino acid residue is found in multiple mammalian species, suggesting that this missense change does not adversely affect protein function. These predictions have not been confirmed by published functional studies and their clinical significance is uncertain. This variant has not been reported in the literature in individuals with MEGF10-related conditions. This variant is not present in population databases (ExAC no frequency). This sequence change replaces threonine with isoleucine at codon 441 of the MEGF10 protein (p.Thr441Ile). The threonine residue is moderately conserved and there is a moderate physicochemical difference between threonine and isoleucine.

GeneDx
Classification: Uncertain significance. Last evaluated: 2019-08-09. Review status: criteria provided, single submitter. Criteria: GeneDx Variant Classification Process June 2021. Collection method: clinical testing. Allele origin: germline. Affected: yes.
Comment: Not observed in large population cohorts (Lek et al., 2016); In silico analysis, which includes protein predictors and evolutionary conservation, supports that this variant does not alter protein structure/function; Has not been previously published as pathogenic or benign to our knowledge

NM_001256545.2(MEGF10):c.1322C>T (p.Thr441Ile)

Gene: MEGF10 (multiple EGF like domains 10; plus strand). Cytogenetic location: 5q23.2.
Variant type: single nucleotide variant.
Coding change: c.1322C>T on transcript NM_001256545.2 (MANE Select); coding-DNA position 1322, C replaced by T.
Protein change: p.Thr441Ile; replaces threonine 441 with isoleucine.
Molecular consequence: missense variant.
Genome position (GRCh38, 1-based): chr5:127,419,136, C>T. VCF-style: chr5-127419136-C-T. GRCh37 (hg19) VCF-style: chr5-126754828-C-T.
Other names: c.1322C>T, p.Thr441Ile (NM_001308119.2, NM_001308121.2, NM_032446.3); short protein forms T441I.
Identifiers: ClinVar variation 1039406 (VCV001039406.10), dbSNP rs1160030961, ClinGen allele CA360729063.